The following is an entry in ClinVar:

NM_001033855.3(DCLRE1C):c.346T>C (p.Cys116Arg)

Gene: DCLRE1C (DNA cross-link repair 1C; minus strand). Cytogenetic location: 10p13.
Variant type: single nucleotide variant.
Coding change: c.346T>C on transcript NM_001033855.3 (MANE Select); coding-DNA position 346, T replaced by C.
Protein change: p.Cys116Arg; replaces cysteine 116 with arginine.
Molecular consequence: missense variant. On other transcripts: 5 prime UTR variant (5), non-coding transcript variant (3), intron variant (4).
Genome position (GRCh38, 1-based): chr10:14,936,554, A>G on the plus strand (T>C on the coding strand, the complement: DCLRE1C is on the minus strand). VCF-style: chr10-14936554-A-G. GRCh37 (hg19) VCF-style: chr10-14978553-A-G.
Other names: NM_001033855.3(DCLRE1C):c.346T>C; p.Cys116Arg; c.-15T>C (NM_001033857.3, NM_001033858.3, NM_001289077.2 and 2 more transcripts); c.346T>C, p.Cys116Arg (NM_001350965.2); c.18-990T>C (NM_001350966.2, NM_001289078.2, NM_001289076.2 and 1 more transcripts); short protein forms C116R.
Identifiers: ClinVar variation 1713265 (VCV001713265.3), dbSNP rs2492076708, ClinGen allele CA376061171.
Genomic context (GRCh38, chr10:14,936,554, plus strand): 5'-TGTGTCTACATATAATAAAATGACAAAATAAATGACCCCCTTACATAACTGATCCCGGAC[A>G]GTGACCAGCTGGTAAGAGAGTCACAACAATCTCTTCCTTCTAAAAAGAAAATAAAGAAAA-3'
Protein context (NP_001029027.1, residues 106-126): IVVTLLPAGH[Cys116Arg]PGSVMFLFQG

ClinVar aggregate classification (germline): Likely pathogenic. Review status: reviewed by expert panel (3 of 4 stars). 2 submissions from 2 submitters: Likely pathogenic (1). 1 of the submissions does not count toward it. Last evaluated 2023-11-14.

Conditions:
Severe combined immunodeficiency due to DCLRE1C deficiency (RS-SCID). Also called: SCID, AUTOSOMAL RECESSIVE, T CELL-NEGATIVE, B CELL-NEGATIVE, NK CELL-POSITIVE, WITH SENSITIVITY TO IONIZING RADIATION. Identifiers: Orphanet 275, MedGen C1865371, MONDO:0011225, OMIM 602450.

Submissions (2):

ClinGen Severe Combined Immunodeficiency Variant Curation Expert Panel, ClinGen
Classification: Likely pathogenic for Severe combined immunodeficiency due to DCLRE1C deficiency. Last evaluated: 2023-11-14. Review status: reviewed by expert panel. Criteria: ClinGen SCID ACMG Specifications DCLRE1C V1.0.0. Collection method: curation. Allele origin: germline. Inheritance: Autosomal recessive inheritance.
Comment: The NM_001033855.3:c.436T>C variant in DCLRE1C is a missense variant predicted to cause the substitution of cysteine by arginine at amino acid 116 (p.Cys116Arg). This variant is absent from gnomAD and therefore has a population max filtering allele frequency that is below the threshold for PM2_Supporting set by the ClinGen SCID VCEP for DCLRE1C (<0.00003266). This variant has been reported in an individual with SCID (PMID: 36546626). ART012: As per inclusion criteria in supplement files in PMID: 36546626, diagnostic criteria for SCID/leaky SCID is met (0.5 points), and phenotype was corrected by lentiviral gene therapy (CNV test performed, unpublish data) (7 points). Additional information from Dr. Cowan (unpublished): radiation sensitivity testing in the patient's fibroblasts and demonstrated that the Artemis vector (AProArt) corrected the radiation sensitivity both in terms of proliferation and gH2AX production - therefore 2 additional points added as per specification "Vector-based complementation corrected increased cellular radiosensitivity and/or decreased VDJ recombination." Therefore the total from this patient, by PMID plus unpublished data, is = 9.5 points = PP4_Strong. In this individual, the variant co-occurred in trans with a second variant c.161+2T>G, which would be classified as Likely Pathogenic by the ClinGen SCID VCEP; therefore, PM3 is met (1p). In summary, this variant meets the criteria to be classified as Likely Pathogenic for autosomal recessive SCID based on the ACMG criteria applied: PM2_Supporting, PP4_Strong, and PM3 as specified by the ClinGen SCID VCEP (VCEP specifications version 1).

Cowan and Puck Lab, Allergy Immunology and BMT Division, UCSF Benioff Children's Hospital
Classification: Pathogenic for Athabaskan severe combined immunodeficiency. Last evaluated: 2021-03-23. Review status: criteria provided, single submitter. Criteria: ACMG Guidelines, 2015. Collection method: clinical testing. Allele origin: germline. Affected: yes. Not counted in ClinVar's aggregate classification.
Comment: 1 PS3(functional study: Cowan M, Puck J, Unpublished data); 1 PM3(in trans with pathogenic variant); 1 PM2(rare); 1 PP3(Polyphen 1.0 damaging); 1 PP4(phenotype consistent)

Literature cited by the submitters: PubMed 15071507 (cited by Cowan and Puck Lab, Allergy Immunology and BMT Division, UCSF Benioff Children's Hospital).